The following is an entry in ClinVar:

NM_004630.4(SF1):c.158T>G (p.Ile53Arg)

Gene: SF1 (splicing factor 1; minus strand). Cytogenetic location: 11q13.1.
Variant type: single nucleotide variant.
Coding change: c.158T>G on transcript NM_004630.4 (MANE Select); coding-DNA position 158, T replaced by G.
Protein change: p.Ile53Arg; replaces isoleucine 53 with arginine.
Molecular consequence: missense variant. On other transcripts: 5 prime UTR variant (2).
Genome position (GRCh38, 1-based): chr11:64,776,500, A>C on the plus strand (T>G on the coding strand, the complement: SF1 is on the minus strand). VCF-style: chr11-64776500-A-C. GRCh37 (hg19) VCF-style: chr11-64543972-A-C.
Other names: c.158T>G, p.Ile53Arg (NM_201997.3, NM_201998.3, NM_001346363.2 and 4 more transcripts); c.533T>G, p.Ile178Arg (NM_001178030.2, NM_001378956.1, NM_001378957.1 and 2 more transcripts); c.80T>G, p.Ile27Arg (NM_001178031.3, NM_001440584.1, NM_001440585.1); c.-112T>G (NM_001346409.2, NM_001346410.2); short protein forms I178R, I27R, I53R.
Identifiers: ClinVar variation 4879830 (VCV004879830.1).

ClinVar aggregate classification (germline): Uncertain significance (1 of 4 stars; one submission).

Conditions:
Neurodevelopmental disorder. Identifiers: MedGen C1535926, MeSH D065886, MONDO:0700092.

Submission:

Victorian Clinical Genetics Services, Murdoch Childrens Research Institute
Classification: Uncertain significance for Neurodevelopmental disorder. Last evaluated: 2026-04-27. Review status: criteria provided, single submitter. Criteria: ACMG Guidelines, 2015. Collection method: clinical testing. Allele origin: germline. Affected: yes.
Comment: This variant is classified as VUS-3B. Evidence in support of pathogenic classification: Variant is absent from gnomAD (v2, v3 and v4). Additional information: Variant is predicted to result in a missense amino acid change from Ile to Arg. This variant affects the third last nucleotide of exon 2, however, no functional evidence is available to determine the consequence on splicing; This variant is heterozygous; This gene is associated with autosomal dominant disease; This variant has no previous evidence of pathogenicity; No published evidence of segregation with disease has been identified for this variant; No published functional evidence has been identified for this variant; No comparable missense variants have previous evidence for pathogenicity; Variant is located in the annotated splicing factor 1 helix-hairpin domain (DECIPHER); In silico predictions and conservation for missense and splicing outcomes are inconclusive; Loss of function is a known mechanism of disease in this gene and is associated with neurodevelopmental disorder (MONDO:0700092), SF1-related (PMID: 40987292).

Literature cited by the submitters: PubMed 40987292.